The following is an entry in ClinVar:

NM_005751.5(AKAP9):c.8258A>T (p.Glu2753Val)

Gene: AKAP9 (A-kinase anchoring protein 9; plus strand). Cytogenetic location: 7q21.2.
Variant type: single nucleotide variant.
Coding change: c.8258A>T on transcript NM_005751.5 (MANE Select); coding-DNA position 8258, A replaced by T.
Protein change: p.Glu2753Val; replaces glutamic acid 2753 with valine.
Molecular consequence: missense variant.
Genome position (GRCh38, 1-based): chr7:92,083,267, A>T. VCF-style: chr7-92083267-A-T. GRCh37 (hg19) VCF-style: chr7-91712581-A-T.
Other names: c.2903A>T, p.Glu968Val (NM_001379277.1); c.8234A>T, p.Glu2745Val (NM_147185.3); short protein forms E2745V, E968V, E2753V.
Identifiers: ClinVar variation 2560653 (VCV002560653.2), dbSNP rs753335214, ClinGen allele CA4337462.

ClinVar aggregate classification (germline): Uncertain significance (1 of 4 stars; one submission).

Conditions:
Cardiovascular phenotype. Identifiers: MedGen CN230736.

Allele frequency attached by ClinVar (database versions not stated): ExAC 0.00001; gnomAD exomes 0.00002.
gnomAD v4.1: 31 of 1,614,148 alleles (0.0019%); highest among the groups gnomAD compares: Non-Finnish European, 0.0026%; no homozygotes.

Submission:

Ambry Genetics
Classification: Uncertain significance for Cardiovascular phenotype. Last evaluated: 2023-06-01. Review status: criteria provided, single submitter. Criteria: Ambry Variant Classification Scheme 2023. Collection method: clinical testing. Allele origin: germline.
Comment: The p.E2753V variant (also known as c.8258A>T), located in coding exon 33 of the AKAP9 gene, results from an A to T substitution at nucleotide position 8258. The glutamic acid at codon 2753 is replaced by valine, an amino acid with dissimilar properties. This amino acid position is conserved. In addition, this alteration is predicted to be tolerated by in silico analysis. Since supporting evidence is limited at this time, the clinical significance of this alteration remains unclear.